The following is an entry in ClinVar:

ClinVar aggregate classification (germline): Uncertain significance (1 of 4 stars; one submission).

Conditions:
Leigh syndrome (NULS). Also called: Leigh's necrotizing encephalopathy; Leigh's disease; Leigh Syndrome (mtDNA deletion); Leigh Disease; Subacute necrotizing encephalopathy; Necrotizing encephalopathy infantile subacute of Leigh. Identifiers: Orphanet 506, MedGen C2931891, MONDO:0009723, OMIM 256000.

Submission:

Wong Mito Lab, Molecular and Human Genetics, Baylor College of Medicine
Classification: Uncertain significance for Leigh syndrome. Last evaluated: 2019-10-17. Review status: criteria provided, single submitter. Criteria: Modified ACMG Guidelines (Unpublished). Collection method: clinical testing. Allele origin: germline.
Comment: The NC_012920.1:m.9753G>A (YP_003024032.1:p.Glu183Lys) variant in MTCO3 gene is interpretated to be a Uncertain Significance variant based on the modified ACMG guidelines (unpublished). This variant meets the following evidence codes: BS4

NC_012920.1(MT-CO3):m.9753G>A

Gene: MT-CO3 (mitochondrially encoded cytochrome c oxidase III; plus strand).
Variant type: single nucleotide variant.
Genome position: chrM-9753-G-A.
Identifiers: ClinVar variation 693218 (VCV000693218.1), dbSNP rs1569484322, ClinGen allele CA414803633.
Genomic context (GRCh38, chrMT:9,753, plus strand): 5'-CTGCTTATTACAATTTTACTGGGTCTCTATTTTACCCTCCTACAAGCCTCAGAGTACTTC[G>A]AGTCTCCCTTCACCATTTCCGACGGCATCTACGGCTCAACATTTTTTGTAGCCACAGGCT-3'